The following is an entry in ClinVar:

ClinVar aggregate classification (germline): Uncertain significance. Review status: criteria provided, multiple submitters, no conflicts (2 of 4 stars). 3 submissions from 3 submitters: Uncertain significance (3). Last evaluated 2025-03-24.

Allele frequency attached by ClinVar (database versions not stated): gnomAD 0.00011 and 0.00010; gnomAD exomes 0.00010 and 0.00019; ExAC 0.00020.
gnomAD v4.1: 168 of 1,614,104 alleles (0.01%); highest among the groups gnomAD compares: South Asian, 0.061%; no homozygotes.

Submissions (3):

Ambry Genetics
Classification: Uncertain significance. Last evaluated: 2025-03-24. Review status: criteria provided, single submitter. Criteria: Ambry Variant Classification Scheme 2023. Collection method: clinical testing. Allele origin: germline.

Labcorp Genetics (formerly Invitae), Labcorp
Classification: Uncertain significance. Last evaluated: 2022-04-10. Review status: criteria provided, single submitter. Criteria: Invitae Variant Classification Sherloc (09022015). Collection method: clinical testing. Allele origin: germline.
Comment: In summary, the available evidence is currently insufficient to determine the role of this variant in disease. Therefore, it has been classified as a Variant of Uncertain Significance. Algorithms developed to predict the effect of missense changes on protein structure and function output the following: SIFT: "Deleterious"; PolyPhen-2: "Not Available"; Align-GVGD: "Class C0". The glutamine amino acid residue is found in multiple mammalian species, which suggests that this missense change does not adversely affect protein function. This variant has not been reported in the literature in individuals affected with CIB1-related conditions. This variant is present in population databases (rs761859158, gnomAD 0.08%). This sequence change replaces arginine, which is basic and polar, with glutamine, which is neutral and polar, at codon 183 of the CIB1 protein (p.Arg183Gln).

Breakthrough Genomics
Classification: Uncertain significance. Review status: criteria provided, single submitter. Criteria: ACMG Guidelines, 2015. Collection method: not provided. Allele origin: germline. Inheritance: Autosomal recessive inheritance. Affected: yes.

NM_006384.4(CIB1):c.428G>A (p.Arg143Gln)

Gene: CIB1 (calcium and integrin binding 1; minus strand). Cytogenetic location: 15q26.1.
Variant type: single nucleotide variant.
Coding change: c.428G>A on transcript NM_006384.4 (MANE Select); coding-DNA position 428, G replaced by A.
Protein change: p.Arg143Gln; replaces arginine 143 with glutamine.
Molecular consequence: missense variant. On other transcripts: non-coding transcript variant (2).
Genome position (GRCh38, 1-based): chr15:90,231,132, C>T on the plus strand (G>A on the coding strand, the complement: CIB1 is on the minus strand). VCF-style: chr15-90231132-C-T. GRCh37 (hg19) VCF-style: chr15-90774364-C-T.
Other names: c.548G>A, p.Arg183Gln (NM_001277764.2); c.428G>A (NM_006384.3); short protein forms R143Q, R183Q.
Identifiers: ClinVar variation 1346600 (VCV001346600.6), dbSNP rs761859158, ClinGen allele CA7734183.